The following is an entry in ClinVar:

ClinVar aggregate classification (germline): Pathogenic/Likely pathogenic. Review status: criteria provided, multiple submitters, no conflicts (2 of 4 stars). 4 submissions from 4 submitters: Pathogenic (1); Likely pathogenic (2). 1 of the submissions does not count toward it. Last evaluated 2024-11-01.

Conditions:
Kleefstra syndrome 1 (KLEFS1). Identifiers: Orphanet 261494, MedGen C0795833, MONDO:0027407, OMIM 610253.

Submissions (4):

Clinical Genetics Center, Xinhua Hospital affiliated to Shanghai Jiao Tong University School of Medicine
Classification: Likely pathogenic for Kleefstra syndrome 1. Last evaluated: 2024-11-01. Review status: criteria provided, single submitter. Criteria: ACMG Guidelines, 2015. Collection method: clinical testing. Allele origin: de novo. Affected: yes.
Comment: PM1+PM6+PM2_Supporting+PP3

Cytogénomique, Hospices Civils de Lyon
Classification: Likely pathogenic for Kleefstra syndrome 1. Last evaluated: 2018-03-19. Review status: criteria provided, single submitter. Criteria: ACMG Guidelines, 2015. Collection method: clinical testing. Allele origin: de novo. Inheritance: Autosomal dominant inheritance. Affected: yes.

Laboratory of Genetics, Children's Clinical University Hospital Latvia
Classification: Pathogenic for Kleefstra syndrome 1. Review status: criteria provided, single submitter. Criteria: ACMG Guidelines, 2015. Collection method: curation. Allele origin: de novo. Affected: yes.
Comment: de novo

GeneReviews
No classification provided. Condition: Kleefstra syndrome 1. Review status: no classification provided. Collection method: literature only. Allele origin: unknown. Not counted in ClinVar's aggregate classification.

Literature cited by the submitters: PubMed 39013458 (cited by Laboratory of Genetics, Children's Clinical University Hospital Latvia); PubMed 20945554 (cited by GeneReviews); NCBI Bookshelf NBK47079 (cited by GeneReviews).

NM_024757.5(EHMT1):c.3589C>T (p.Arg1197Trp)

Gene: EHMT1 (euchromatic histone lysine methyltransferase 1; plus strand). Cytogenetic location: 9q34.3.
Variant type: single nucleotide variant.
Coding change: c.3589C>T on transcript NM_024757.5 (MANE Select); coding-DNA position 3589, C replaced by T.
Protein change: p.Arg1197Trp; replaces arginine 1197 with tryptophan.
Molecular consequence: missense variant.
Genome position (GRCh38, 1-based): chr9:137,834,397, C>T. VCF-style: chr9-137834397-C-T. GRCh37 (hg19) VCF-style: chr9-140728849-C-T.
Other names: c.3568C>T, p.Arg1190Trp (NM_001354263.2); short protein forms R1197W, R1190W.
Identifiers: ClinVar variation 65737 (VCV000065737.5), dbSNP rs137852727, ClinGen allele CA345063.